The following is an entry in ClinVar:

ClinVar aggregate classification (germline): Uncertain significance (1 of 4 stars; one submission).

Conditions:
Peroxisome biogenesis disorder. Identifiers: Orphanet 79189, MedGen C1832200, MONDO:0019234. Disease mechanism: loss of function.

Submission:

Labcorp Genetics (formerly Invitae), Labcorp
Classification: Uncertain significance for Peroxisome biogenesis disorder. Last evaluated: 2022-08-09. Review status: criteria provided, single submitter. Criteria: Invitae Variant Classification Sherloc (09022015). Collection method: clinical testing. Allele origin: germline.
Comment: In summary, the available evidence is currently insufficient to determine the role of this variant in disease. Therefore, it has been classified as a Variant of Uncertain Significance. Algorithms developed to predict the effect of missense changes on protein structure and function are either unavailable or do not agree on the potential impact of this missense change (SIFT: "Deleterious"; PolyPhen-2: "Probably Damaging"; Align-GVGD: "Class C0"). This variant has not been reported in the literature in individuals affected with PEX16-related conditions. This variant is not present in population databases (gnomAD no frequency). This sequence change replaces threonine, which is neutral and polar, with asparagine, which is neutral and polar, at codon 218 of the PEX16 protein (p.Thr218Asn).

NM_004813.4(PEX16):c.653C>A (p.Thr218Asn)

Gene: PEX16 (peroxisomal biogenesis factor 16; minus strand). Cytogenetic location: 11p11.2.
Variant type: single nucleotide variant.
Coding change: c.653C>A on transcript NM_004813.4 (MANE Select); coding-DNA position 653, C replaced by A.
Protein change: p.Thr218Asn; replaces threonine 218 with asparagine.
Molecular consequence: missense variant.
Genome position (GRCh38, 1-based): chr11:45,914,357, G>T on the plus strand (C>A on the coding strand, the complement: PEX16 is on the minus strand). VCF-style: chr11-45914357-G-T. GRCh37 (hg19) VCF-style: chr11-45935908-G-T.
Other names: c.653C>A, p.Thr218Asn (NM_057174.3); short protein forms T218N.
Identifiers: ClinVar variation 2083901 (VCV002083901.4), dbSNP rs1175669602, ClinGen allele CA380226983.